The following is an entry in ClinVar:

NM_006121.4(KRT1):c.86G>A (p.Arg29His)

Gene: KRT1 (keratin 1; minus strand). Cytogenetic location: 12q13.13.
Variant type: single nucleotide variant.
Coding change: c.86G>A on transcript NM_006121.4 (MANE Select); coding-DNA position 86, G replaced by A.
Protein change: p.Arg29His; replaces arginine 29 with histidine.
Molecular consequence: missense variant.
Genome position (GRCh38, 1-based): chr12:52,680,263, C>T on the plus strand (G>A on the coding strand, the complement: KRT1 is on the minus strand). VCF-style: chr12-52680263-C-T. GRCh37 (hg19) VCF-style: chr12-53074047-C-T.
Other names: short protein forms R29H.
Identifiers: ClinVar variation 4044769 (VCV004044769.3).

ClinVar aggregate classification (germline): Uncertain significance. Review status: criteria provided, multiple submitters, no conflicts (2 of 4 stars). 2 submissions from 2 submitters: Uncertain significance (2). Last evaluated 2025-04-12.

Conditions:
Keratosis palmoplantaris striata 3 (PPKS3). Also called: KERATOSIS PALMOPLANTARIS STRIATA III; KERATODERMA, PALMOPLANTAR, STRIATE FORM III; STRIATE PALMOPLANTAR KERATODERMA III. Identifiers: MedGen C2931123, MONDO:0011881, OMIM 607654.
Ichthyosis, annular epidermolytic, 2 (AEI2). Identifiers: MedGen C5774264, MONDO:0859574, OMIM 620148.
Ichthyosis hystrix of Curth-Macklin. Also called: Ichthyosis histrix, curth-macklin type. Identifiers: Orphanet 79503, MedGen C1840296, MONDO:0007808, OMIM 146590.
Diffuse nonepidermolytic palmoplantar keratoderma (NEPPK). Also called: Nonepidermolytic palmoplantar keratoderma; Nonepidermolytic palmoplantar hyperkeratosis. Identifiers: Orphanet 530838, MedGen C1833030, MONDO:0010962, OMIM 600962, HP:0007404.
Epidermolytic hyperkeratosis 1 (EHK1). Also called: BULLOUS ERYTHRODERMA ICHTHYOSIFORMIS CONGENITA OF BROCQ; BULLOUS CONGENITAL ICHTHYOSIFORM ERYTHRODERMA. Identifiers: MedGen C5781874, MONDO:0700249, OMIM 113800.
Palmoplantar keratoderma, epidermolytic, 2 (EPPK2). Also called: KERATOSIS OF GREITHER; GREITHER SYNDROME. Identifiers: MedGen C2936837, MONDO:0957303, OMIM 620411.
Inborn genetic diseases. Identifiers: MedGen C0950123, MeSH D030342.

Submissions (2):

Ambry Genetics
Classification: Uncertain significance for Inborn genetic diseases. Last evaluated: 2025-04-12. Review status: criteria provided, single submitter. Criteria: Ambry Variant Classification Scheme 2023. Collection method: clinical testing. Allele origin: germline.

Juno Genomics, Hangzhou Juno Genomics, Inc
Classification: Uncertain significance for Epidermolytic hyperkeratosis 1; Palmoplantar keratoderma, epidermolytic, 2; Ichthyosis, annular epidermolytic, 2; Ichthyosis hystrix of Curth-Macklin; Keratosis palmoplantaris striata 3; Diffuse nonepidermolytic palmoplantar keratoderma. Review status: criteria provided, single submitter. Criteria: ACMG Guidelines, 2015. Collection method: clinical testing. Allele origin: germline.
Comment: Absent from controls (or at extremely low frequency if recessive) in Genome Aggregation Database.